The following is an entry in ClinVar:

NM_002691.4(POLD1):c.311A>G (p.Tyr104Cys)

Gene: POLD1 (DNA polymerase delta 1, catalytic subunit; plus strand). Cytogenetic location: 19q13.33.
Variant type: single nucleotide variant.
Coding change: c.311A>G on transcript NM_002691.4 (MANE Select); coding-DNA position 311, A replaced by G.
Protein change: p.Tyr104Cys; replaces tyrosine 104 with cysteine.
Molecular consequence: missense variant. On other transcripts: non-coding transcript variant (1).
Genome position (GRCh38, 1-based): chr19:50,399,479, A>G. VCF-style: chr19-50399479-A-G. GRCh37 (hg19) VCF-style: chr19-50902736-A-G.
Other names: c.311A>G (NM_002691.2); c.311A>G, p.Tyr104Cys (NM_001256849.1, NM_001308632.1); short protein forms Y104C.
Identifiers: ClinVar variation 2044030 (VCV002044030.5), dbSNP rs968051129, ClinGen allele CA406970686.

ClinVar aggregate classification (germline): Uncertain significance. Review status: criteria provided, multiple submitters, no conflicts (2 of 4 stars). 2 submissions from 2 submitters: Uncertain significance (2). Last evaluated 2025-01-29.

Conditions:
POLD1-related polyposis and colorectal cancer syndrome (CRCS10). Also called: Colorectal cancer 10; COLORECTAL CANCER, SUSCEPTIBILITY TO, ON CHROMOSOME 19q; Colorectal cancer, susceptibility to, 10. Identifiers: Orphanet 220460, MedGen C2675481, MONDO:0012953, OMIM 612591.
Hereditary cancer-predisposing syndrome. Also called: Tumor predisposition; Neoplastic Syndromes, Hereditary; Hereditary Cancer Syndrome; Hereditary neoplastic syndrome. Identifiers: Orphanet 140162, MedGen C0027672, MeSH D009386, MONDO:0015356.

Submissions (2):

Labcorp Genetics (formerly Invitae), Labcorp
Classification: Uncertain significance for POLD1-related polyposis and colorectal cancer syndrome. Last evaluated: 2025-01-29. Review status: criteria provided, single submitter. Criteria: Invitae Variant Classification Sherloc (09022015). Collection method: clinical testing. Allele origin: germline.
Comment: This sequence change replaces tyrosine, which is neutral and polar, with cysteine, which is neutral and slightly polar, at codon 104 of the POLD1 protein (p.Tyr104Cys). This variant is present in population databases (no rsID available, gnomAD 0.0009%). This variant has not been reported in the literature in individuals affected with POLD1-related conditions. ClinVar contains an entry for this variant (Variation ID: 2044030). Invitae Evidence Modeling of protein sequence and biophysical properties (such as structural, functional, and spatial information, amino acid conservation, physicochemical variation, residue mobility, and thermodynamic stability) indicates that this missense variant is not expected to disrupt POLD1 protein function with a negative predictive value of 80%. In summary, the available evidence is currently insufficient to determine the role of this variant in disease. Therefore, it has been classified as a Variant of Uncertain Significance.

Ambry Genetics
Classification: Uncertain significance for Hereditary cancer-predisposing syndrome. Last evaluated: 2024-04-27. Review status: criteria provided, single submitter. Criteria: Ambry Variant Classification Scheme 2023. Collection method: clinical testing. Allele origin: germline.
Comment: The p.Y104C variant (also known as c.311A>G), located in coding exon 2 of the POLD1 gene, results from an A to G substitution at nucleotide position 311. The tyrosine at codon 104 is replaced by cysteine, an amino acid with highly dissimilar properties. This amino acid position is conserved. In addition, the in silico prediction for this alteration is inconclusive. Based on the available evidence, the clinical significance of this variant remains unclear.